The following is an entry in ClinVar:

NM_001377540.1(SLMAP):c.2167A>G (p.Ser723Gly)

Gene: SLMAP (sarcolemma associated protein; plus strand). Cytogenetic location: 3p14.3.
Variant type: single nucleotide variant.
Coding change: c.2167A>G on transcript NM_001377540.1 (MANE Select); coding-DNA position 2167, A replaced by G.
Protein change: p.Ser723Gly; replaces serine 723 with glycine.
Molecular consequence: missense variant. On other transcripts: non-coding transcript variant (1).
Genome position (GRCh38, 1-based): chr3:57,916,934, A>G. VCF-style: chr3-57916934-A-G. GRCh37 (hg19) VCF-style: chr3-57902661-A-G.
Other names: c.2116A>G, p.Ser706Gly (NM_001304420.3, NM_001377541.1, NM_001377542.1); c.2002A>G, p.Ser668Gly (NM_001304421.2, NM_001377557.1, NM_001377559.1); c.718A>G, p.Ser240Gly (NM_001304422.3, NM_001311178.2); c.520A>G, p.Ser174Gly (NM_001304423.3); c.595A>G, p.Ser199Gly (NM_001311179.2, NM_001377926.1, NM_001377927.1); c.2188A>G, p.Ser730Gly (NM_001377538.1); c.2167A>G, p.Ser723Gly (NM_001377539.1); c.2104A>G, p.Ser702Gly (NM_001377545.1); and 8 more; short protein forms S199G, S661G, S665G, S689G, S644G, S668G, S702G, S240G.
Identifiers: ClinVar variation 1045580 (VCV001045580.8), dbSNP rs764100894, ClinGen allele CA2467315.

ClinVar aggregate classification (germline): Uncertain significance. Review status: criteria provided, multiple submitters, no conflicts (2 of 4 stars). 2 submissions from 2 submitters: Uncertain significance (2). Last evaluated 2025-05-04.

Conditions:
Brugada syndrome. Also called: Sudden Unexplained Death Syndrome; Sudden Unexplained Nocturnal Death Syndrome (SUNDS); Sudden unexplained nocturnal death syndrome; Sudden unexpected nocturnal death syndrome. Identifiers: Orphanet 130, MedGen C1142166, MONDO:0015263.

Allele frequency attached by ClinVar (database versions not stated): ExAC 0.00001; gnomAD 0.00001; gnomAD exomes 0.00002 and 0.00003; TOPMed 0.00002.
gnomAD v4.1: 46 of 1,613,792 alleles (0.0029%); highest among the groups gnomAD compares: Middle Eastern, 0.016%; no homozygotes.

Submissions (2):

Labcorp Genetics (formerly Invitae), Labcorp
Classification: Uncertain significance for Brugada syndrome. Last evaluated: 2025-05-04. Review status: criteria provided, single submitter. Criteria: Invitae Variant Classification Sherloc (09022015). Collection method: clinical testing. Allele origin: germline.
Comment: This sequence change replaces serine, which is neutral and polar, with glycine, which is neutral and non-polar, at codon 689 of the SLMAP protein (p.Ser689Gly). This variant is present in population databases (rs764100894, gnomAD 0.005%). This variant has not been reported in the literature in individuals affected with SLMAP-related conditions. ClinVar contains an entry for this variant (Variation ID: 1045580). An algorithm developed to predict the effect of missense changes on protein structure and function (PolyPhen-2) suggests that this variant is likely to be tolerated. In summary, the available evidence is currently insufficient to determine the role of this variant in disease. Therefore, it has been classified as a Variant of Uncertain Significance.

Ambry Genetics
Classification: Uncertain significance. Last evaluated: 2025-01-27. Review status: criteria provided, single submitter. Criteria: Ambry Variant Classification Scheme 2023. Collection method: clinical testing. Allele origin: germline.